The following is an entry in ClinVar:

NM_001385125.1(OPN1SW):c.752T>C (p.Met251Thr)

Gene: OPN1SW (opsin 1, short wave sensitive; minus strand). Cytogenetic location: 7q32.1.
Variant type: single nucleotide variant.
Coding change: c.752T>C on transcript NM_001385125.1 (MANE Select); coding-DNA position 752, T replaced by C.
Protein change: p.Met251Thr; replaces methionine 251 with threonine.
Molecular consequence: missense variant.
Genome position (GRCh38, 1-based): chr7:128,773,815, A>G on the plus strand (T>C on the coding strand, the complement: OPN1SW is on the minus strand). VCF-style: chr7-128773815-A-G. GRCh37 (hg19) VCF-style: chr7-128413869-A-G.
Other names: short protein forms M251T.
Identifiers: ClinVar variation 1051309 (VCV001051309.9), dbSNP rs1416118291, ClinGen allele CA369217952.

ClinVar aggregate classification (germline): Uncertain significance (1 of 4 stars; one submission).

Allele frequency attached by ClinVar (database versions not stated): gnomAD exomes below 0.00001.
gnomAD v4.1: 1 of 1,614,080 alleles (0.000062%); highest among the groups gnomAD compares: South Asian, 0.0011%; no homozygotes.

Submission:

Labcorp Genetics (formerly Invitae), Labcorp
Classification: Uncertain significance. Last evaluated: 2024-03-11. Review status: criteria provided, single submitter. Criteria: Invitae Variant Classification Sherloc (09022015). Collection method: clinical testing. Allele origin: germline.
Comment: This sequence change replaces methionine, which is neutral and non-polar, with threonine, which is neutral and polar, at codon 254 of the OPN1SW protein (p.Met254Thr). This variant is present in population databases (no rsID available, gnomAD 0.003%). This variant has not been reported in the literature in individuals affected with OPN1SW-related conditions. ClinVar contains an entry for this variant (Variation ID: 1051309). An algorithm developed to predict the effect of missense changes on protein structure and function (PolyPhen-2) suggests that this variant is likely to be disruptive. In summary, the available evidence is currently insufficient to determine the role of this variant in disease. Therefore, it has been classified as a Variant of Uncertain Significance.